The following is an entry in ClinVar:

NM_001385641.1(SAMD11):c.1870T>C (p.Ser624Pro)

Gene: SAMD11 (sterile alpha motif domain containing 11; plus strand). Cytogenetic location: 1p36.33.
Variant type: single nucleotide variant.
Coding change: c.1870T>C on transcript NM_001385641.1 (MANE Select); coding-DNA position 1870, T replaced by C.
Protein change: p.Ser624Pro; replaces serine 624 with proline.
Molecular consequence: missense variant.
Genome position (GRCh38, 1-based): chr1:942,875, T>C. VCF-style: chr1-942875-T-C. GRCh37 (hg19) VCF-style: chr1-878255-T-C.
Other names: c.1873T>C, p.Ser625Pro (NM_001385640.1); c.1381T>C, p.Ser461Pro (NM_152486.4); short protein forms S624P, S625P, S461P.
Identifiers: ClinVar variation 2001120 (VCV002001120.4), dbSNP rs2522716074, ClinGen allele CA337811807.

ClinVar aggregate classification (germline): Uncertain significance (1 of 4 stars; one submission).

Submission:

Labcorp Genetics (formerly Invitae), Labcorp
Classification: Uncertain significance. Last evaluated: 2022-03-09. Review status: criteria provided, single submitter. Criteria: Invitae Variant Classification Sherloc (09022015). Collection method: clinical testing. Allele origin: germline.
Comment: This sequence change replaces serine, which is neutral and polar, with proline, which is neutral and non-polar, at codon 461 of the SAMD11 protein (p.Ser461Pro). In summary, the available evidence is currently insufficient to determine the role of this variant in disease. Therefore, it has been classified as a Variant of Uncertain Significance. Algorithms developed to predict the effect of missense changes on protein structure and function output the following: SIFT: "Tolerated"; PolyPhen-2: "Benign"; Align-GVGD: "Class C0". The proline amino acid residue is found in multiple mammalian species, which suggests that this missense change does not adversely affect protein function. This variant has not been reported in the literature in individuals affected with SAMD11-related conditions. This variant is not present in population databases (gnomAD no frequency).